The following is an entry in ClinVar:

ClinVar aggregate classification (germline): Uncertain significance (1 of 4 stars; one submission).

Conditions:
PHGDH deficiency. Identifiers: Orphanet 79351, MedGen C1866174, MONDO:0011152, OMIM 601815.

Allele frequency attached by ClinVar (database versions not stated): TOPMed below 0.00001; ExAC 0.00002.

Submission:

Labcorp Genetics (formerly Invitae), Labcorp
Classification: Uncertain significance for PHGDH deficiency. Last evaluated: 2022-05-08. Review status: criteria provided, single submitter. Criteria: Invitae Variant Classification Sherloc (09022015). Collection method: clinical testing. Allele origin: germline.
Comment: This sequence change replaces serine, which is neutral and polar, with asparagine, which is neutral and polar, at codon 371 of the PHGDH protein (p.Ser371Asn). This variant is present in population databases (rs113884419, gnomAD 0.002%). This variant has not been reported in the literature in individuals affected with PHGDH-related conditions. Algorithms developed to predict the effect of missense changes on protein structure and function (SIFT, PolyPhen-2, Align-GVGD) all suggest that this variant is likely to be tolerated. In summary, the available evidence is currently insufficient to determine the role of this variant in disease. Therefore, it has been classified as a Variant of Uncertain Significance.

NM_006623.4(PHGDH):c.1112G>A (p.Ser371Asn)

Gene: PHGDH (phosphoglycerate dehydrogenase; plus strand). Cytogenetic location: 1p12.
Variant type: single nucleotide variant.
Coding change: c.1112G>A on transcript NM_006623.4 (MANE Select); coding-DNA position 1112, G replaced by A.
Protein change: p.Ser371Asn; replaces serine 371 with asparagine.
Molecular consequence: missense variant.
Genome position (GRCh38, 1-based): chr1:119,741,800, G>A. VCF-style: chr1-119741800-G-A. GRCh37 (hg19) VCF-style: chr1-120284423-G-A.
Other names: short protein forms S371N.
Identifiers: ClinVar variation 2202000 (VCV002202000.1), dbSNP rs113884419, ClinGen allele CA1037364.